The following is an entry in ClinVar:

NM_001330700.2(TOP2B):c.2399A>G (p.Asn800Ser)

Gene: TOP2B (DNA topoisomerase II beta; minus strand). Cytogenetic location: 3p24.2.
Variant type: single nucleotide variant.
Coding change: c.2399A>G on transcript NM_001330700.2 (MANE Select); coding-DNA position 2399, A replaced by G.
Protein change: p.Asn800Ser; replaces asparagine 800 with serine.
Molecular consequence: missense variant.
Genome position (GRCh38, 1-based): chr3:25,624,393, T>C on the plus strand (A>G on the coding strand, the complement: TOP2B is on the minus strand). VCF-style: chr3-25624393-T-C. GRCh37 (hg19) VCF-style: chr3-25665884-T-C.
Other names: c.2384A>G, p.Asn795Ser (NM_001068.3); c.2384A>G (NM_001068.2); short protein forms N800S, N795S.
Identifiers: ClinVar variation 1467609 (VCV001467609.9), dbSNP rs368712197, ClinGen allele CA2288494.

ClinVar aggregate classification (germline): Uncertain significance. Review status: criteria provided, multiple submitters, no conflicts (2 of 4 stars). 2 submissions from 2 submitters: Uncertain significance (2). Last evaluated 2025-03-10.

Allele frequency attached by ClinVar (database versions not stated): ExAC 0.00001; gnomAD exomes 0.00001; gnomAD 0.00002; TOPMed 0.00002; ESP Exome Variant Server 0.00008.
gnomAD v4.1: 12 of 1,613,830 alleles (0.00074%); highest among the groups gnomAD compares: Non-Finnish European, 0.001%; no homozygotes.

Submissions (2):

Labcorp Genetics (formerly Invitae), Labcorp
Classification: Uncertain significance. Last evaluated: 2025-03-10. Review status: criteria provided, single submitter. Criteria: Invitae Variant Classification Sherloc (09022015). Collection method: clinical testing. Allele origin: germline.
Comment: This sequence change replaces asparagine, which is neutral and polar, with serine, which is neutral and polar, at codon 795 of the TOP2B protein (p.Asn795Ser). This variant is present in population databases (rs368712197, gnomAD 0.002%). This variant has not been reported in the literature in individuals affected with TOP2B-related conditions. ClinVar contains an entry for this variant (Variation ID: 1467609). An algorithm developed to predict the effect of missense changes on protein structure and function (PolyPhen-2) suggests that this variant is likely to be disruptive. In summary, the available evidence is currently insufficient to determine the role of this variant in disease. Therefore, it has been classified as a Variant of Uncertain Significance.

Ambry Genetics
Classification: Uncertain significance. Last evaluated: 2022-04-07. Review status: criteria provided, single submitter. Criteria: Ambry Variant Classification Scheme 2023. Collection method: clinical testing. Allele origin: germline.